The following is an entry in ClinVar:

ClinVar aggregate classification (germline): Uncertain significance. Review status: criteria provided, multiple submitters, no conflicts (2 of 4 stars). 2 submissions from 2 submitters: Uncertain significance (2). Last evaluated 2024-10-06.

Conditions:
Cardiovascular phenotype. Identifiers: MedGen CN230736.
Dilated cardiomyopathy 1HH (CMD1HH). Identifiers: Orphanet 154, MedGen C3151293, MONDO:0013479, OMIM 613881.
Myofibrillar myopathy 6. Identifiers: Orphanet 199340, MedGen C2751831, MONDO:0013061, OMIM 612954.

Allele frequency attached by ClinVar (database versions not stated): gnomAD exomes below 0.00001 and 0.00001.
gnomAD v4.1: 11 of 1,614,154 alleles (0.00068%); highest among the groups gnomAD compares: Non-Finnish European, 0.00093%; no homozygotes.

Submissions (2):

Labcorp Genetics (formerly Invitae), Labcorp
Classification: Uncertain significance for Dilated cardiomyopathy 1HH; Myofibrillar myopathy 6. Last evaluated: 2024-10-06. Review status: criteria provided, single submitter. Criteria: Invitae Variant Classification Sherloc (09022015). Collection method: clinical testing. Allele origin: germline.
Comment: This sequence change replaces proline, which is neutral and non-polar, with serine, which is neutral and polar, at codon 355 of the BAG3 protein (p.Pro355Ser). This variant is present in population databases (rs761188869, gnomAD 0.0009%). This variant has not been reported in the literature in individuals affected with BAG3-related conditions. ClinVar contains an entry for this variant (Variation ID: 863127). Invitae Evidence Modeling of protein sequence and biophysical properties (such as structural, functional, and spatial information, amino acid conservation, physicochemical variation, residue mobility, and thermodynamic stability) indicates that this missense variant is not expected to disrupt BAG3 protein function with a negative predictive value of 80%. In summary, the available evidence is currently insufficient to determine the role of this variant in disease. Therefore, it has been classified as a Variant of Uncertain Significance.

Ambry Genetics
Classification: Uncertain significance for Cardiovascular phenotype. Last evaluated: 2021-02-16. Review status: criteria provided, single submitter. Criteria: Ambry Variant Classification Scheme 2023. Collection method: clinical testing. Allele origin: germline.
Comment: The p.P355S variant (also known as c.1063C>T), located in coding exon 4 of the BAG3 gene, results from a C to T substitution at nucleotide position 1063. The proline at codon 355 is replaced by serine, an amino acid with similar properties. This amino acid position is well conserved in available vertebrate species; however, serine is the reference amino acid in other vertebrate species. In addition, this alteration is predicted to be tolerated by in silico analysis. Since supporting evidence is limited at this time, the clinical significance of this alteration remains unclear.

NM_004281.4(BAG3):c.1063C>T (p.Pro355Ser)

Gene: BAG3 (BAG cochaperone 3; plus strand). Cytogenetic location: 10q26.11.
Variant type: single nucleotide variant.
Coding change: c.1063C>T on transcript NM_004281.4 (MANE Select); coding-DNA position 1063, C replaced by T.
Protein change: p.Pro355Ser; replaces proline 355 with serine.
Molecular consequence: missense variant.
Genome position (GRCh38, 1-based): chr10:119,676,617, C>T. VCF-style: chr10-119676617-C-T. GRCh37 (hg19) VCF-style: chr10-121436129-C-T.
Other names: short protein forms P355S.
Identifiers: ClinVar variation 863127 (VCV000863127.11), dbSNP rs761188869, ClinGen allele CA214224856.